The following is an entry in ClinVar:

ClinVar aggregate classification (germline): Uncertain significance. Review status: criteria provided, multiple submitters, no conflicts (2 of 4 stars). 5 submissions from 5 submitters: Uncertain significance (4). 1 of the submissions does not count toward it. Last evaluated 2026-07-17.

Conditions:
Retinal dystrophy. Also called: Inherited retinal dystrophy. Identifiers: Orphanet 71862, MedGen C0854723, MeSH D058499, MONDO:0019118, HP:0000556.
Bardet-Biedl syndrome 2 (BBS2). Identifiers: Orphanet 110, MedGen C2936863, MONDO:0014432, OMIM 615981.
Retinitis pigmentosa 74 (RP74). Identifiers: Orphanet 791, MedGen C4225281, MONDO:0014692, OMIM 616562.
BBS2-related disorder. Also called: BBS2-related disorders; BBS2-related condition. Identifiers: MedGen CN239228.
Bardet-Biedl syndrome (BBS). Identifiers: Orphanet 110, MedGen C0752166, MONDO:0015229.

Allele frequency attached by ClinVar (database versions not stated): TOPMed 0.00002.
gnomAD v4.1: 46 of 1,613,454 alleles (0.0029%); highest among the groups gnomAD compares: South Asian, 0.02%; no homozygotes.

Submissions (5):

PreventionGenetics, part of Exact Sciences
Classification: Uncertain significance for BBS2-related condition. Last evaluated: 2026-07-17. Review status: criteria provided, single submitter. Criteria: ACMG Guidelines, 2015. Collection method: clinical testing. Allele origin: germline.
Comment: The BBS2 c.1895G>A variant is predicted to result in the amino acid substitution p.Arg632His. To our knowledge, this variant has not been reported in the literature. This variant is reported in 0.013% of alleles in individuals of South Asian descent in gnomAD. An alternate variant at the same amino acid position has been documented as pathogenic for autosomal recessive BBS2-related disorders (see for example: p.Arg632Pro, alt nomenclature p.Arg634Pro; Katsanis et al. 2001. PubMed ID: 11567139; Shevach et al. 2015. PubMed ID: 25541840). At this time, the clinical significance of this variant is uncertain due to the absence of conclusive functional and genetic evidence.

Labcorp Genetics (formerly Invitae), Labcorp
Classification: Uncertain significance for Bardet-Biedl syndrome. Last evaluated: 2025-04-14. Review status: criteria provided, single submitter. Criteria: Invitae Variant Classification Sherloc (09022015). Collection method: clinical testing. Allele origin: germline.
Comment: This sequence change replaces arginine, which is basic and polar, with histidine, which is basic and polar, at codon 632 of the BBS2 protein (p.Arg632His). This variant is present in population databases (rs138043021, gnomAD 0.01%). This variant has not been reported in the literature in individuals affected with BBS2-related conditions. ClinVar contains an entry for this variant (Variation ID: 888430). Invitae Evidence Modeling of protein sequence and biophysical properties (such as structural, functional, and spatial information, amino acid conservation, physicochemical variation, residue mobility, and thermodynamic stability) indicates that this missense variant is expected to disrupt BBS2 protein function with a positive predictive value of 80%. This variant disrupts the p.Arg632 amino acid residue in BBS2. Other variant(s) that disrupt this residue have been determined to be pathogenic (PMID: 21052717, 22401627, 25541840, 28559085). This suggests that this residue is clinically significant, and that variants that disrupt this residue are likely to be disease-causing. In summary, the available evidence is currently insufficient to determine the role of this variant in disease. Therefore, it has been classified as a Variant of Uncertain Significance.

Fulgent Genetics
Classification: Uncertain significance for Bardet-Biedl syndrome 2; Retinitis pigmentosa 74. Last evaluated: 2022-05-07. Review status: criteria provided, single submitter. Criteria: ACMG Guidelines, 2015. Collection method: clinical testing. Allele origin: unknown.

Illumina Laboratory Services, Illumina
Classification: Uncertain significance for Bardet-Biedl syndrome 2. Last evaluated: 2018-01-12. Review status: criteria provided, single submitter. Criteria: ICSL Variant Classification Criteria 13 December 2019. Collection method: clinical testing. Allele origin: germline.

Institute of Human Genetics, Univ. Regensburg, Univ. Regensburg
Classification: Uncertain significance for Retinal dystrophy. Last evaluated: 2019-01-01. Review status: no assertion criteria provided. Criteria: ACMG Guidelines, 2015. Collection method: clinical testing. Allele origin: germline. Affected: yes. Not counted in ClinVar's aggregate classification.

Literature cited by the submitters: PubMed 21052717 (cited by Labcorp Genetics (formerly Invitae), Labcorp); PubMed 22401627 (cited by Labcorp Genetics (formerly Invitae), Labcorp); PubMed 25541840 (cited by Labcorp Genetics (formerly Invitae), Labcorp); PubMed 28559085 (cited by Labcorp Genetics (formerly Invitae), Labcorp).

NM_031885.5(BBS2):c.1895G>A (p.Arg632His)

Gene: BBS2 (Bardet-Biedl syndrome 2; minus strand). Cytogenetic location: 16q13.
Variant type: single nucleotide variant.
Coding change: c.1895G>A on transcript NM_031885.5 (MANE Select); coding-DNA position 1895, G replaced by A.
Protein change: p.Arg632His; replaces arginine 632 with histidine.
Molecular consequence: missense variant. On other transcripts: non-coding transcript variant (5).
Genome position (GRCh38, 1-based): chr16:56,496,982, C>T on the plus strand (G>A on the coding strand, the complement: BBS2 is on the minus strand). VCF-style: chr16-56496982-C-T. GRCh37 (hg19) VCF-style: chr16-56530894-C-T.
Other names: c.1895G>A, p.Arg632His (NM_001377456.1); short protein forms R632H.
Identifiers: ClinVar variation 888430 (VCV000888430.12), dbSNP rs138043021, ClinGen allele CA8065596.